The following is an entry in ClinVar:

ClinVar aggregate classification (germline): Conflicting classifications of pathogenicity. Review status: criteria provided, conflicting classifications (1 of 4 stars). 3 submissions from 3 submitters: Uncertain significance (2); Benign (1). Last evaluated 2025-11-13.

Conditions:
Breast-ovarian cancer, familial, susceptibility to, 3. Also called: RAD51C-Related Breast/Ovarian Cancer. Identifiers: Orphanet 145, MedGen C3150659, MONDO:0013253, OMIM 613399.
Fanconi anemia complementation group O. Also called: RAD51C-Related Fanconi Anemia. Identifiers: Orphanet 84, MedGen C3150653, MONDO:0013248, OMIM 613390.
Hereditary cancer-predisposing syndrome. Also called: Hereditary neoplastic syndrome; Neoplastic Syndromes, Hereditary; Tumor predisposition; Hereditary Cancer Syndrome. Identifiers: Orphanet 140162, MedGen C0027672, MeSH D009386, MONDO:0015356.

Allele frequency attached by ClinVar (database versions not stated): TOPMed 0.00001.

Submissions (3):

Ambry Genetics
Classification: Benign for Hereditary cancer-predisposing syndrome. Last evaluated: 2025-11-13. Review status: criteria provided, single submitter. Criteria: Ambry Variant Classification Scheme 2023. Collection method: clinical testing. Allele origin: germline.

Labcorp Genetics (formerly Invitae), Labcorp
Classification: Uncertain significance for Fanconi anemia complementation group O. Last evaluated: 2024-12-26. Review status: criteria provided, single submitter. Criteria: Invitae Variant Classification Sherloc (09022015). Collection method: clinical testing. Allele origin: germline.
Comment: This sequence change replaces aspartic acid, which is acidic and polar, with glycine, which is neutral and non-polar, at codon 202 of the RAD51C protein (p.Asp202Gly). This variant is not present in population databases (gnomAD no frequency). This missense change has been observed in individual(s) with breast cancer (PMID: 26976419). ClinVar contains an entry for this variant (Variation ID: 409847). Invitae Evidence Modeling of protein sequence and biophysical properties (such as structural, functional, and spatial information, amino acid conservation, physicochemical variation, residue mobility, and thermodynamic stability) indicates that this missense variant is not expected to disrupt RAD51C protein function with a negative predictive value of 80%. In summary, the available evidence is currently insufficient to determine the role of this variant in disease. Therefore, it has been classified as a Variant of Uncertain Significance.

Baylor Genetics
Classification: Uncertain significance for Breast-ovarian cancer, familial, susceptibility to, 3. Last evaluated: 2023-02-09. Review status: criteria provided, single submitter. Criteria: ACMG Guidelines, 2015. Collection method: clinical testing. Allele origin: unknown.

Literature cited by the submitters: PubMed 26976419 (cited by Ambry Genetics and Labcorp Genetics (formerly Invitae), Labcorp).

NM_058216.3(RAD51C):c.605A>G (p.Asp202Gly)

Genes: RAD51C (RAD51 paralog C; plus strand), LOC129390903 (MPRA-validated peak2919 silencer; plus strand). Cytogenetic location: 17q22.
Variant type: single nucleotide variant.
Coding change: c.605A>G on transcript NM_058216.3 (MANE Select); coding-DNA position 605, A replaced by G.
Protein change: p.Asp202Gly; replaces aspartic acid 202 with glycine.
Molecular consequence: missense variant. On other transcripts: non-coding transcript variant (1).
Genome position (GRCh38, 1-based): chr17:58,703,229, A>G. VCF-style: chr17-58703229-A-G. GRCh37 (hg19) VCF-style: chr17-56780590-A-G.
Other names: short protein forms D202G.
Identifiers: ClinVar variation 409847 (VCV000409847.14), dbSNP rs1060502591, ClinGen allele CA16615453.